The following is an entry in ClinVar:

NM_003968.4(UBA3):c.1246C>T (p.Gln416Ter)

Gene: UBA3 (ubiquitin like modifier activating enzyme 3; minus strand). Cytogenetic location: 3p14.1.
Variant type: single nucleotide variant.
Coding change: c.1246C>T on transcript NM_003968.4 (MANE Select); coding-DNA position 1246, C replaced by T.
Protein change: p.Gln416Ter; replaces glutamine 416 with a stop codon.
Molecular consequence: nonsense.
Genome position (GRCh38, 1-based): chr3:69,056,002, G>A on the plus strand (C>T on the coding strand, the complement: UBA3 is on the minus strand). VCF-style: chr3-69056002-G-A. GRCh37 (hg19) VCF-style: chr3-69105153-G-A.
Other names: c.1123C>T, p.Gln375Ter (NM_001363861.1); c.1204C>T, p.Gln402Ter (NM_198195.2); short protein forms Q375*, Q402*, Q416*.
Identifiers: ClinVar variation 3342138 (VCV003342138.16).
Genomic context (GRCh38, chr3:69,056,002, plus strand): 5'-AAGTAAAATAAAACTTGATATAATTTTCTGAAAAAAATTTAAAATACACATTGATAACCT[G>A]TAAGTAAAGTGTTCTATTTTTTCCCTCTAGGGTGGCTGTGATGGCTGGAGATTTCATTTG-3'

ClinVar aggregate classification (germline): Uncertain significance (1 of 4 stars; one submission).

gnomAD v4.1: 1 of 1,605,088 alleles (0.000062%); highest among the groups gnomAD compares: Non-Finnish European, 0.000085%; no homozygotes.

Submission:

CeGaT Center for Human Genetics Tuebingen
Classification: Uncertain significance. Last evaluated: 2024-08-01. Review status: criteria provided, single submitter. Criteria: CeGaT Center For Human Genetics Tuebingen Variant Classification Criteria Version 2. Collection method: clinical testing. Allele origin: germline. Affected: yes. Observed: 1 variant allele.
Comment: UBA3: PM2